The following is an entry in ClinVar:

NM_000255.4(MMUT):c.839dup (p.Leu281fs)

Gene: MMUT (methylmalonyl-CoA mutase; minus strand). Cytogenetic location: 6p12.3.
Variant type: Duplication.
Coding change: c.839dup on transcript NM_000255.4 (MANE Select); coding-DNA position 839, one base duplicated (C; older notation c.839dupC).
Protein change: p.Leu281fs; shifts the reading frame from leucine 281.
Molecular consequence: frameshift variant.
Genome position (GRCh38, 1-based): chr6:49,456,152, G duplicated on the plus strand (C on the coding strand, the reverse complement: MMUT is on the minus strand). VCF-style (leftmost placement, unchanged base first): chr6-49456151-A-AG. GRCh37 (hg19) VCF-style: chr6-49423864-A-AG.
Other names: c.839dup (NM_000255.3); short protein forms L281fs.
Identifiers: ClinVar variation 1358455 (VCV001358455.9), dbSNP rs2127419415, ClinGen allele CA2573140885.

ClinVar aggregate classification (germline): Pathogenic/Likely pathogenic. Review status: criteria provided, multiple submitters, no conflicts (2 of 4 stars). 3 submissions from 3 submitters: Pathogenic (2); Likely pathogenic (1). Last evaluated 2024-11-18.

Conditions:
Methylmalonic aciduria due to complete methylmalonyl-CoA mutase deficiency.
Methylmalonic aciduria due to methylmalonyl-CoA mutase deficiency (MAMM). Also called: Methylmalonic aciduria, mut type. Identifiers: Orphanet 27, MedGen C1855114, MONDO:0009612, OMIM 251000.

Allele frequency attached by ClinVar (database versions not stated): gnomAD exomes below 0.00001.

Submissions (3):

Natera, Inc.
Classification: Pathogenic for Methylmalonic aciduria due to complete methylmalonyl-CoA mutase deficiency. Last evaluated: 2024-11-18. Review status: criteria provided, single submitter. Criteria: Natera Variant Classification Schema (03/2026). Collection method: clinical testing. Allele origin: germline.
Comment: The c.839dup variant in MMUT is a frameshift variant predicted to shift the reading frame beginning at codon 281 and leads to a stop codon 9 codons downstream. This variant is expected to result in nonsense mediated decay, truncation, or a dysfunctional protein product. This variant is rare in the general population with a frequency below the threshold expected for the associated phenotype(s). This variant has been observed in one or more individuals affected with the associated recessive disease, as either homozygous or compound heterozygous with a second variant (PMID: 36717752). Given the available evidence, this variant is classified as Pathogenic.

Myriad Genetics, Inc.
Classification: Likely pathogenic for Methylmalonic aciduria due to methylmalonyl-CoA mutase deficiency. Last evaluated: 2021-11-22. Review status: criteria provided, single submitter. Criteria: Myriad Women's Health Autosomal Recessive and X-Linked Classification Criteria (2021). Collection method: clinical testing. Allele origin: unknown.
Comment: NM_000255.3(MMUT):c.839dupC(L281Ffs*9) is expected to be pathogenic in the context of methylmalonic acidemia, MMUT-related. This variant is predicted to lead to an abnormal or absent protein product due to the creation of a premature termination codon in MMUT, a gene where loss-of-function variants are known to be pathogenic. Please note: this variant was assessed in the context of healthy population screening.

Labcorp Genetics (formerly Invitae), Labcorp
Classification: Pathogenic. Last evaluated: 2020-11-15. Review status: criteria provided, single submitter. Criteria: Invitae Variant Classification Sherloc (09022015). Collection method: clinical testing. Allele origin: germline.
Comment: For these reasons, this variant has been classified as Pathogenic. This variant has not been reported in the literature in individuals with MUT-related conditions. This variant is not present in population databases (ExAC no frequency). This sequence change creates a premature translational stop signal (p.Leu281Phefs*9) in the MUT gene. It is expected to result in an absent or disrupted protein product. Loss-of-function variants in MUT are known to be pathogenic (PMID: 15781192).

Literature cited by the submitters: PubMed 36717752 (cited by Natera, Inc.); PubMed 15781192 (cited by Labcorp Genetics (formerly Invitae), Labcorp).